The following is an entry in ClinVar:

ClinVar aggregate classification (germline): Uncertain significance (1 of 4 stars; one submission).

Conditions:
Developmental and epileptic encephalopathy. Identifiers: MedGen C5779964, MONDO:0100620.

Allele frequency attached by ClinVar (database versions not stated): gnomAD exomes below 0.00001 and 0.00001; TOPMed 0.00001.
gnomAD v4.1: 4 of 1,604,238 alleles (0.00025%); highest among the groups gnomAD compares: Non-Finnish European, 0.00034%; no homozygotes.

Submission:

Labcorp Genetics (formerly Invitae), Labcorp
Classification: Uncertain significance for Early-infantile DEE. Last evaluated: 2023-09-20. Review status: criteria provided, single submitter. Criteria: Invitae Variant Classification Sherloc (09022015). Collection method: clinical testing. Allele origin: germline.
Comment: The SCN8A gene has multiple clinically relevant transcripts. This variant occurs in alternate transcript NM_001330260.1, and corresponds to NM_014191.3:c.706+248G>A in the primary transcript. This sequence change affects a donor splice site in intron 6 of the SCN8A gene. It is expected to disrupt RNA splicing. Variants that disrupt the donor or acceptor splice site typically lead to a loss of protein function (PMID: 16199547), however it is currently unclear if variants that occur in this region of the gene cause disease. This variant is present in population databases (no rsID available, gnomAD 0.002%). Disruption of this splice site has been observed in individuals with clinical features of epileptic encephalopathy (Invitae). ClinVar contains an entry for this variant (Variation ID: 1119331). Algorithms developed to predict the effect of sequence changes on RNA splicing suggest that this variant may disrupt the consensus splice site. In summary, the available evidence is currently insufficient to determine the role of this variant in disease. Therefore, it has been classified as a Variant of Uncertain Significance.

Literature cited by the submitters: PubMed 16199547.

NM_001330260.2(SCN8A):c.706+1G>A

Gene: SCN8A (sodium voltage-gated channel alpha subunit 8; plus strand). Cytogenetic location: 12q13.13.
Variant type: single nucleotide variant.
Coding change: c.706+1G>A on transcript NM_001330260.2 (MANE Select); the canonical splice donor site of the intron after coding-DNA position 706, G replaced by A.
Molecular consequence: splice donor variant. On other transcripts: intron variant (2).
Genome position (GRCh38, 1-based): chr12:51,689,097, G>A. VCF-style: chr12-51689097-G-A. GRCh37 (hg19) VCF-style: chr12-52082881-G-A.
Other names: c.706+248G>A (NM_014191.4, NM_001177984.3); c.706+1G>A (NM_001369788.1).
Identifiers: ClinVar variation 1119331 (VCV001119331.8), dbSNP rs1259864188, ClinGen allele CA385224901.